The following is an entry in ClinVar:

ClinVar aggregate classification (germline): Uncertain significance. Review status: criteria provided, multiple submitters, no conflicts (2 of 4 stars). 2 submissions from 2 submitters: Uncertain significance (2). Last evaluated 2024-07-14.

Conditions:
Inborn genetic diseases. Identifiers: MedGen C0950123, MeSH D030342.
Isolated microphthalmia 6. Also called: MICROPHTHALMIA, POSTERIOR NONSYNDROMIC. Identifiers: Orphanet 2542, MedGen C3150757, MONDO:0013293, OMIM 613517.

Allele frequency attached by ClinVar (database versions not stated): gnomAD exomes 0.00001; 1000 Genomes Project 30x 0.00016.
gnomAD v4.1: 42 of 1,533,610 alleles (0.0027%); highest among the groups gnomAD compares: African/African-American, 0.052%; no homozygotes.

Submissions (2):

Ambry Genetics
Classification: Uncertain significance for Inborn genetic diseases. Last evaluated: 2024-07-14. Review status: criteria provided, single submitter. Criteria: Ambry Variant Classification Scheme 2023. Collection method: clinical testing. Allele origin: germline.

Labcorp Genetics (formerly Invitae), Labcorp
Classification: Uncertain significance for Isolated microphthalmia 6. Last evaluated: 2021-05-18. Review status: criteria provided, single submitter. Criteria: Invitae Variant Classification Sherloc (09022015). Collection method: clinical testing. Allele origin: germline.
Comment: In summary, the available evidence is currently insufficient to determine the role of this variant in disease. Therefore, it has been classified as a Variant of Uncertain Significance. Algorithms developed to predict the effect of missense changes on protein structure and function output the following: SIFT: "Tolerated"; PolyPhen-2: "Not Available"; Align-GVGD: "Class C0". The alanine amino acid residue is found in multiple mammalian species, suggesting that this missense change does not adversely affect protein function. These predictions have not been confirmed by published functional studies and their clinical significance is uncertain. This variant has not been reported in the literature in individuals with PRSS56-related conditions. The frequency data for this variant in the population databases is considered unreliable, as metrics indicate poor data quality at this position in the ExAC database. This sequence change replaces proline with alanine at codon 354 of the PRSS56 protein (p.Pro354Ala). The proline residue is weakly conserved and there is a small physicochemical difference between proline and alanine.

NM_001195129.2(PRSS56):c.1060C>G (p.Pro354Ala)

Gene: PRSS56 (serine protease 56; plus strand). Cytogenetic location: 2q37.1.
Variant type: single nucleotide variant.
Coding change: c.1060C>G on transcript NM_001195129.2 (MANE Select); coding-DNA position 1060, C replaced by G.
Protein change: p.Pro354Ala; replaces proline 354 with alanine.
Molecular consequence: missense variant.
Genome position (GRCh38, 1-based): chr2:232,523,819, C>G. VCF-style: chr2-232523819-C-G. GRCh37 (hg19) VCF-style: chr2-233388529-C-G.
Other names: c.1063C>G, p.Pro355Ala (NM_001369848.1); c.1060C>G (NM_001195129.1); short protein forms P354A, P355A.
Identifiers: ClinVar variation 1368444 (VCV001368444.10), dbSNP rs764526661, ClinGen allele CA2167766.